The following is an entry in ClinVar:

ClinVar aggregate classification (germline): Uncertain significance (1 of 4 stars; one submission).

Conditions:
Agammaglobulinemia 2, autosomal recessive (AGM2). Also called: AGAMMAGLOBULINEMIA, AUTOSOMAL RECESSIVE, DUE TO IGLL1 DEFECT. Identifiers: MedGen C3150750, MONDO:0013287, OMIM 613500.

Submission:

Labcorp Genetics (formerly Invitae), Labcorp
Classification: Uncertain significance for Agammaglobulinemia 2, autosomal recessive. Last evaluated: 2022-04-06. Review status: criteria provided, single submitter. Criteria: Invitae Variant Classification Sherloc (09022015). Collection method: clinical testing. Allele origin: germline.
Comment: This variant results in a copy number gain of the genomic region encompassing exon(s) 3 of the IGLL1 gene. This region includes the termination codon of the gene. This copy number gain extends beyond the assayed region for this gene and therefore may encompass additional genes. As the precise location of this event is unknown, it may be in tandem or it may be located elsewhere in the genome. This variant has not been reported in the literature in individuals affected with IGLL1-related conditions. Experimental studies and prediction algorithms are not available or were not evaluated, and the functional significance of this variant is currently unknown. In summary, the available evidence is currently insufficient to determine the role of this variant in disease. Therefore, it has been classified as a Variant of Uncertain Significance.

NC_000022.10:g.(?_23915453)_(23915792_?)dup

Gene: IGLL1 (immunoglobulin lambda like polypeptide 1; minus strand). Cytogenetic location: 22q11.23.
Variant type: Duplication.
Identifiers: ClinVar variation 2426518 (VCV002426518.4).